The following is an entry in ClinVar:

NM_018062.4(FANCL):c.136T>G (p.Leu46Val)

Gene: FANCL (FA complementation group L; minus strand). Cytogenetic location: 2p16.1.
Variant type: single nucleotide variant.
Coding change: c.136T>G on transcript NM_018062.4 (MANE Select); coding-DNA position 136, T replaced by G.
Protein change: p.Leu46Val; replaces leucine 46 with valine.
Molecular consequence: missense variant.
Genome position (GRCh38, 1-based): chr2:58,232,073, A>C on the plus strand (T>G on the coding strand, the complement: FANCL is on the minus strand). VCF-style: chr2-58232073-A-C. GRCh37 (hg19) VCF-style: chr2-58459208-A-C.
Other names: c.136T>G, p.Leu46Val (NM_001114636.2, NM_001374615.1, NM_001410792.1); short protein forms L46V.
Identifiers: ClinVar variation 2915093 (VCV002915093.3), dbSNP rs781357185, ClinGen allele CA1670786.

ClinVar aggregate classification (germline): Uncertain significance (1 of 4 stars; one submission).

Conditions:
Fanconi anemia (FA). Also called: Fanconi's anemia. Identifiers: Orphanet 84, MedGen C0015625, MeSH D005199, MONDO:0019391.

Allele frequency attached by ClinVar (database versions not stated): gnomAD exomes below 0.00001; ExAC 0.00001.
gnomAD v4.1: 2 of 1,613,406 alleles (0.00012%); highest among the groups gnomAD compares: South Asian, 0.0022%; no homozygotes.

Submission:

Labcorp Genetics (formerly Invitae), Labcorp
Classification: Uncertain significance for Fanconi anemia. Last evaluated: 2023-01-24. Review status: criteria provided, single submitter. Criteria: Invitae Variant Classification Sherloc (09022015). Collection method: clinical testing. Allele origin: germline.
Comment: This sequence change replaces leucine, which is neutral and non-polar, with valine, which is neutral and non-polar, at codon 46 of the FANCL protein (p.Leu46Val). This variant is present in population databases (rs781357185, gnomAD 0.003%). In summary, the available evidence is currently insufficient to determine the role of this variant in disease. Therefore, it has been classified as a Variant of Uncertain Significance. Advanced modeling of protein sequence and biophysical properties (such as structural, functional, and spatial information, amino acid conservation, physicochemical variation, residue mobility, and thermodynamic stability) performed at Invitae indicates that this missense variant is not expected to disrupt FANCL protein function. This variant has not been reported in the literature in individuals affected with FANCL-related conditions.